The following is an entry in ClinVar:

ClinVar aggregate classification (germline): Pathogenic. Review status: criteria provided, multiple submitters, no conflicts (2 of 4 stars). 3 submissions from 2 submitters: Pathogenic (3). Last evaluated 2021-03-01.

Conditions:
Marfan syndrome (MFS). Also called: Marfan syndrome, classic; Marfan syndrome type 1; Marfan's syndrome; MARFAN SYNDROME, TYPE I; FBN1-Related Marfan Syndrome. Identifiers: Orphanet 284963, Orphanet 558, MedGen C0024796, MONDO:0007947, OMIM 154700.
Familial thoracic aortic aneurysm and aortic dissection (TAAD). Also called: Thoracic aortic aneurysms and dissections. Identifiers: Orphanet 91387, MedGen C4707243, MONDO:0019625.

Submissions (3):

Centre of Medical Genetics, University of Antwerp
Classification: Pathogenic for Marfan syndrome. Last evaluated: 2021-03-01. Review status: criteria provided, single submitter. Criteria: Submitter's publication. Collection method: research. Allele origin: unknown. Affected: yes.
Comment: PM2, PVS1, PP4

Labcorp Genetics (formerly Invitae), Labcorp
Classification: Pathogenic for Marfan syndrome; Familial thoracic aortic aneurysm and aortic dissection. Last evaluated: 2020-09-25. Review status: criteria provided, single submitter. Criteria: Invitae Variant Classification Sherloc (09022015). Collection method: clinical testing. Allele origin: germline.
Comment: This variant is not present in population databases (ExAC no frequency). For these reasons, this variant has been classified as Pathogenic. Loss-of-function variants in FBN1 are known to be pathogenic (PMID: 17657824, 19293843). This variant has not been reported in the literature in individuals with FBN1-related conditions. ClinVar contains an entry for this variant (Variation ID: 406362). This sequence change creates a premature translational stop signal (p.Cys1942Glnfs*7) in the FBN1 gene. It is expected to result in an absent or disrupted protein product.

Labcorp Genetics (formerly Invitae), Labcorp
Classification: Pathogenic for Marfan syndrome. Last evaluated: 2016-09-12. Review status: criteria provided, single submitter. Criteria: Invitae Variant Classification Sherloc (09022015). Collection method: clinical testing. Allele origin: germline.
Comment: This sequence change deletes 2 nucleotides from exon 48 of the FBN1 mRNA (c.5823_5824delTT), causing a frameshift at codon 1942. This creates a premature translational stop signal (p.Cys1942Glnfs*7) and is expected to result in an absent or disrupted protein product. While this particular variant has not been reported in the literature, loss-of-function variants in FBN1 are known to be pathogenic (PMID: 17657824, 19293843). For these reasons, this variant has been classified as Pathogenic.

Literature cited by the submitters: PubMed 17657824 (cited by Labcorp Genetics (formerly Invitae), Labcorp); PubMed 19293843 (cited by Labcorp Genetics (formerly Invitae), Labcorp).

NM_000138.5(FBN1):c.5823_5824del (p.Cys1942fs)

Gene: FBN1 (fibrillin 1; minus strand). Cytogenetic location: 15q21.1.
Variant type: Deletion.
Coding change: c.5823_5824del on transcript NM_000138.5 (MANE Select); coding-DNA positions 5823 to 5824, 2 bases deleted (TT; older notation c.5823_5824delTT).
Protein change: p.Cys1942fs; shifts the reading frame from cysteine 1942.
Molecular consequence: frameshift variant.
Genome position (GRCh38, 1-based): chr15:48,445,469-48,445,470, AA deleted on the plus strand (TT on the coding strand, the reverse complement: FBN1 is on the minus strand); deleting any 2 consecutive bases within chr15:48,445,469-48,445,471 gives the same sequence; the c. name uses the placement nearest the transcript's 3' end. VCF-style (leftmost placement, unchanged base first): chr15-48445468-CAA-C. GRCh37 (hg19) VCF-style: chr15-48737665-CAA-C.
Other names: c.5823_5824delTT (NM_000138.4); short protein forms C1942fs.
Identifiers: ClinVar variation 406362 (VCV000406362.24), dbSNP rs1060501089, ClinGen allele CA16614638.